The following is an entry in ClinVar:

NM_194248.3(OTOF):c.333C>A (p.Ser111Arg)

Gene: OTOF (otoferlin; minus strand). Cytogenetic location: 2p23.3.
Variant type: single nucleotide variant.
Coding change: c.333C>A on transcript NM_194248.3 (MANE Select); coding-DNA position 333, C replaced by A.
Protein change: p.Ser111Arg; replaces serine 111 with arginine.
Molecular consequence: missense variant.
Genome position (GRCh38, 1-based): chr2:26,516,594, G>T on the plus strand (C>A on the coding strand, the complement: OTOF is on the minus strand). VCF-style: chr2-26516594-G-T. GRCh37 (hg19) VCF-style: chr2-26739462-G-T.
Other names: c.333C>A, p.Ser111Arg (NM_001287489.2); short protein forms S111R.
Identifiers: ClinVar variation 1502344 (VCV001502344.8), dbSNP rs2148098670, ClinGen allele CA346139582.

ClinVar aggregate classification (germline): Uncertain significance (1 of 4 stars; one submission).

Submission:

Labcorp Genetics (formerly Invitae), Labcorp
Classification: Uncertain significance. Last evaluated: 2022-06-20. Review status: criteria provided, single submitter. Criteria: Invitae Variant Classification Sherloc (09022015). Collection method: clinical testing. Allele origin: germline.
Comment: In summary, the available evidence is currently insufficient to determine the role of this variant in disease. Therefore, it has been classified as a Variant of Uncertain Significance. Algorithms developed to predict the effect of missense changes on protein structure and function output the following: SIFT: "Deleterious"; PolyPhen-2: "Benign"; Align-GVGD: "Class C0". The arginine amino acid residue is found in multiple mammalian species, which suggests that this missense change does not adversely affect protein function. This variant has not been reported in the literature in individuals affected with OTOF-related conditions. This variant is not present in population databases (gnomAD no frequency). This sequence change replaces serine, which is neutral and polar, with arginine, which is basic and polar, at codon 111 of the OTOF protein (p.Ser111Arg).